The following is an entry in ClinVar:

ClinVar aggregate classification (germline): Uncertain significance (1 of 4 stars; one submission).

Conditions:
Hereditary cancer-predisposing syndrome. Also called: Tumor predisposition; Neoplastic Syndromes, Hereditary; Hereditary Cancer Syndrome; Hereditary neoplastic syndrome. Identifiers: Orphanet 140162, MedGen C0027672, MeSH D009386, MONDO:0015356.

Submission:

Ambry Genetics
Classification: Uncertain significance for Hereditary cancer-predisposing syndrome. Last evaluated: 2024-07-30. Review status: criteria provided, single submitter. Criteria: Ambry Variant Classification Scheme 2023. Collection method: clinical testing. Allele origin: germline.
Comment: The p.S195T variant (also known as c.583T>A), located in coding exon 7 of the CDC73 gene, results from a T to A substitution at nucleotide position 583. The serine at codon 195 is replaced by threonine, an amino acid with similar properties. This amino acid position is highly conserved in available vertebrate species. In addition, this alteration is predicted to be tolerated by in silico analysis. Based on the available evidence, the clinical significance of this variant remains unclear.

NM_024529.5(CDC73):c.583T>A (p.Ser195Thr)

Gene: CDC73 (cell division cycle 73; plus strand). Cytogenetic location: 1q31.2.
Variant type: single nucleotide variant.
Coding change: c.583T>A on transcript NM_024529.5 (MANE Select); coding-DNA position 583, T replaced by A.
Protein change: p.Ser195Thr; replaces serine 195 with threonine.
Molecular consequence: missense variant.
Genome position (GRCh38, 1-based): chr1:193,141,920, T>A. VCF-style: chr1-193141920-T-A. GRCh37 (hg19) VCF-style: chr1-193111050-T-A.
Other names: short protein forms S195T.
Identifiers: ClinVar variation 3488506 (VCV003488506.1).